The following is an entry in ClinVar:

ClinVar aggregate classification (germline): Likely benign. Review status: criteria provided, multiple submitters, no conflicts (2 of 4 stars). 2 submissions from 2 submitters: Likely benign (2). Last evaluated 2025-06-01.

Allele frequency attached by ClinVar (database versions not stated): ExAC 0.00004; TOPMed 0.00014; gnomAD 0.00017.
gnomAD v4.1: 66 of 1,613,786 alleles (0.0041%); highest among the groups gnomAD compares: Admixed American, 0.06%; 1 homozygote.

Submissions (2):

CeGaT Center for Human Genetics Tuebingen
Classification: Likely benign. Last evaluated: 2025-06-01. Review status: criteria provided, single submitter. Criteria: CeGaT Center For Human Genetics Tuebingen Variant Classification Criteria Version 2. Collection method: clinical testing. Allele origin: germline. Affected: yes. Observed: 1 variant allele.
Comment: BACH2: BP4, BP7

Labcorp Genetics (formerly Invitae), Labcorp
Classification: Likely benign. Last evaluated: 2024-10-03. Review status: criteria provided, single submitter. Criteria: Invitae Variant Classification Sherloc (09022015). Collection method: clinical testing. Allele origin: germline.

NM_021813.4(BACH2):c.912G>A (p.Ala304=)

Gene: BACH2 (BACH transcriptional regulator 2; minus strand). Cytogenetic location: 6q15.
Variant type: single nucleotide variant.
Coding change: c.912G>A on transcript NM_021813.4 (MANE Select); coding-DNA position 912, G replaced by A.
Protein change: p.Ala304=; no amino-acid change (alanine 304 retained).
Molecular consequence: synonymous variant.
Genome position (GRCh38, 1-based): chr6:89,951,194, C>T on the plus strand (G>A on the coding strand, the complement: BACH2 is on the minus strand). VCF-style: chr6-89951194-C-T. GRCh37 (hg19) VCF-style: chr6-90660913-C-T.
Other names: c.912G>A, p.Ala304= (NM_001170794.2).
Identifiers: ClinVar variation 2172262 (VCV002172262.12), dbSNP rs775708693, ClinGen allele CA3928086.